The following is an entry in ClinVar:

ClinVar aggregate classification (germline): Benign. Review status: criteria provided, multiple submitters, no conflicts (2 of 4 stars). 3 submissions from 2 submitters: Benign (3). Last evaluated 2018-01-12.

Conditions:
Sacral defect with anterior meningocele. Identifiers: MedGen C1838568, OMIM 600145.
Neural tube defect (NTD). Also called: Neural tube defects. Identifiers: Orphanet 3388, Orphanet 823, MedGen C0027794, MONDO:0018075, HP:0045005.

Allele frequency attached by ClinVar (database versions not stated): gnomAD 0.05722 and 0.05825; TOPMed 0.05984; gnomAD exomes 0.06122; 1000 Genomes Project 0.06530; 1000 Genomes Project 30x 0.06699.
gnomAD v4.1: 8,941 of 153,640 alleles (5.8%); highest among the groups gnomAD compares: Admixed American, 9.8%; 305 homozygotes.

Submissions (3):

Illumina Laboratory Services, Illumina
Classification: Benign for Sacral defect with anterior meningocele. Last evaluated: 2018-01-12. Review status: criteria provided, single submitter. Criteria: ICSL Variant Classification Criteria 13 December 2019. Collection method: clinical testing. Allele origin: germline.
Comment: This variant was observed in the ICSL laboratory as part of a predisposition screen in an ostensibly healthy population. It had not been previously curated by ICSL or reported in the Human Gene Mutation Database (HGMD: prior to June 1st, 2018), and was therefore a candidate for classification through an automated scoring system. Utilizing variant allele frequency, disease prevalence and penetrance estimates, and inheritance mode, an automated score was calculated to assess if this variant is too frequent to cause the disease. Based on the score and internal cut-off values, a variant classified as benign is not then subjected to further curation. The score for this variant resulted in a classification of benign for this disease.

Illumina Laboratory Services, Illumina
Classification: Benign for Neural tube defects, susceptibility to. Last evaluated: 2018-01-12. Review status: criteria provided, single submitter. Criteria: ICSL Variant Classification Criteria 13 December 2019. Collection method: clinical testing. Allele origin: germline.
Comment: the same text as in the submission from Illumina Laboratory Services, Illumina above.

Breakthrough Genomics
Classification: Benign. Review status: criteria provided, single submitter. Criteria: ACMG Guidelines, 2015. Collection method: not provided. Allele origin: germline. Inheritance: Autosomal dominant inheritance. Affected: yes.

NM_138959.3(VANGL1):c.*694C>A

Gene: VANGL1 (VANGL planar cell polarity protein 1; plus strand). Cytogenetic location: 1p13.1.
Variant type: single nucleotide variant.
Coding change: c.*694C>A on transcript NM_138959.3 (MANE Select); 694 bases downstream of the stop codon, C replaced by A.
Molecular consequence: 3 prime UTR variant.
Genome position (GRCh38, 1-based): chr1:115,692,073, C>A. VCF-style: chr1-115692073-C-A. GRCh37 (hg19) VCF-style: chr1-116234694-C-A.
Other names: c.*694C>A (NM_001172411.2, NM_001172412.2).
Identifiers: ClinVar variation 292027 (VCV000292027.6), dbSNP rs41312690, ClinGen allele CA10607639.